The following is an entry in ClinVar:

NM_000059.4(BRCA2):c.8680C>T (p.Gln2894Ter)

Gene: BRCA2 (BRCA2 DNA repair associated; plus strand). Cytogenetic location: 13q13.1.
Variant type: single nucleotide variant.
Coding change: c.8680C>T on transcript NM_000059.4 (MANE Select); coding-DNA position 8680, C replaced by T.
Protein change: p.Gln2894Ter; replaces glutamine 2894 with a stop codon.
Molecular consequence: nonsense.
Genome position (GRCh38, 1-based): chr13:32,376,717, C>T. VCF-style: chr13-32376717-C-T. GRCh37 (hg19) VCF-style: chr13-32950854-C-T.
Other names: short protein forms Q2894*.
Identifiers: ClinVar variation 52658 (VCV000052658.15), dbSNP rs397508002, ClinGen allele CA025778.

ClinVar aggregate classification (germline): Pathogenic. Review status: reviewed by expert panel (3 of 4 stars). 9 submissions from 9 submitters: Pathogenic (1). 8 of the submissions do not count toward it. Last evaluated 2017-12-15.

Conditions:
BRCA2-related disorder. Also called: BRCA2-related condition; BRCA2-related disorders. Identifiers: MedGen CN239275.
Hereditary cancer-predisposing syndrome. Also called: Tumor predisposition; Neoplastic Syndromes, Hereditary; Hereditary neoplastic syndrome; Hereditary Cancer Syndrome. Identifiers: Orphanet 140162, MedGen C0027672, MeSH D009386, MONDO:0015356.
Hereditary breast ovarian cancer syndrome. Also called: Hereditary breast and ovarian cancer; BRCA1- and BRCA2-Associated Hereditary Breast and Ovarian Cancer; Hereditary breast and/or ovarian cancer syndrome; Hereditary breast and ovarian cancer syndrome; Breast and ovarian cancer; Hereditary breast and ovarian cancer syndrome (HBOC). Identifiers: Orphanet 145, MedGen C0677776, MeSH D061325, MONDO:0003582. Disease mechanism: loss of function.
Breast-ovarian cancer, familial, susceptibility to, 2 (BROVCA2). Also called: BRCA2 Hereditary Breast and Ovarian Cancer. Identifiers: Orphanet 145, MedGen C2675520, MONDO:0012933, OMIM 612555. Disease mechanism: loss of function.
Familial cancer of breast. Also called: BREAST CANCER, FAMILIAL; hereditary breast carcinoma; Hereditary breast cancer. Identifiers: Orphanet 227535, MedGen C0346153, MONDO:0016419, OMIM 114480. Disease mechanism: loss of function.

Submissions (9):

Evidence-based Network for the Interpretation of Germline Mutant Alleles (ENIGMA)
Classification: Pathogenic for Breast-ovarian cancer, familial, susceptibility to, 2. Last evaluated: 2017-12-15. Review status: reviewed by expert panel. Criteria: ENIGMA BRCA1/2 Classification Criteria (2017-06-29). Collection method: curation. Allele origin: germline. Study: ENIGMA.
Comment: Variant allele predicted to encode a truncated non-functional protein.

Institute of Human Genetics, University of Leipzig Medical Center
Classification: Pathogenic for Breast-ovarian cancer, familial, susceptibility to, 2. Last evaluated: 2026-06-02. Review status: criteria provided, single submitter. Criteria: ACMG Guidelines, 2015. Collection method: clinical testing. Allele origin: unknown. Inheritance: Autosomal dominant inheritance. Affected: yes. Not counted in ClinVar's aggregate classification.
Comment: Criteria applied: PVS1,PM2_SUP,PM5_SUP

Blueprint Genetics
Classification: Pathogenic for BRCA2-related disorders. Last evaluated: 2023-09-25. Review status: criteria provided, single submitter. Criteria: ACMG Guidelines, 2015. Collection method: clinical testing. Allele origin: germline. Affected: yes. Observed: 1 variant allele. Not counted in ClinVar's aggregate classification.

Ambry Genetics
Classification: Pathogenic for Hereditary cancer-predisposing syndrome. Last evaluated: 2023-04-10. Review status: criteria provided, single submitter. Criteria: Ambry Variant Classification Scheme 2023. Collection method: clinical testing. Allele origin: germline. Not counted in ClinVar's aggregate classification.
Comment: The p.Q2894* pathogenic mutation (also known as c.8680C>T), located in coding exon 20 of the BRCA2 gene, results from a C to T substitution at nucleotide position 8680. This changes the amino acid from a glutamine to a stop codon within coding exon 20. This alteration has been reported in breast cancer patients (Negura L et al. Fam Cancer, 2010 Dec;9:519-23; Pellegrino B et al. ESMO Open, 2021 Feb;6:100019). This variant is considered to be rare based on population cohorts in the Genome Aggregation Database (gnomAD). In addition to the clinical data presented in the literature, this alteration is expected to result in loss of function by premature protein truncation or nonsense-mediated mRNA decay. As such, this alteration is interpreted as a disease-causing mutation.

Color Diagnostics, LLC DBA Color Health
Classification: Pathogenic for Hereditary cancer-predisposing syndrome. Last evaluated: 2021-11-02. Review status: criteria provided, single submitter. Criteria: ACMG Guidelines, 2015. Collection method: clinical testing. Allele origin: germline. Not counted in ClinVar's aggregate classification.
Comment: This variant changes 1 nucleotide in exon 21 of the BRCA2 gene, creating a premature translation stop signal. This variant is expected to result in an absent or non-functional protein product. To our knowledge, functional studies have not been reported for this variant. This variant has been detected in three individuals affected with breast cancer (PMID: 17972177, 20567915; Color internal data). This variant has not been identified in the general population by the Genome Aggregation Database (gnomAD). Loss of BRCA2 function is a known mechanism of disease. Based on the available evidence, this variant is classified as Pathogenic.

GeneKor MSA
Classification: Pathogenic. Last evaluated: 2020-01-01. Review status: criteria provided, single submitter. Criteria: ACMG Guidelines, 2015. Collection method: clinical testing. Allele origin: germline. Not counted in ClinVar's aggregate classification.
Comment: This variant is a single amino acid change from Glutamine to a termination codon at amino acid residue 2894 of the BRCA2 gene. It results in a truncated non-functional protein. Truncating variants in the BRCA2 gene are known to be pathogenic.

Women's Health and Genetics/Laboratory Corporation of America, LabCorp
Classification: Pathogenic for Hereditary breast and ovarian cancer syndrome. Last evaluated: 2018-11-16. Review status: criteria provided, single submitter. Criteria: LabCorp Variant Classification Summary - May 2015. Collection method: clinical testing. Allele origin: germline. Not counted in ClinVar's aggregate classification.
Comment: Variant summary: BRCA2 c.8680C>T (p.Gln2894X) results in a premature termination codon, predicted to cause a truncation of the encoded protein or absence of the protein due to nonsense mediated decay, which are commonly known mechanisms for disease. Truncations downstream of this position have been classified as pathogenic by our laboratory (eg. c.8695C>T (p.Gln2899X), c.8777T>A (p.Leu2926X), c.8878C>T (p.Gln2960X)). The variant was absent in 246142 control chromosomes. c.8680C>T has been reported in the literature in individuals affected with Hereditary Breast and Ovarian Cancer (Eniu_2017, Negura_2017, Negura_2011, Negura_2010, Purnomosari_2007). These data indicate that the variant is likely to be associated with disease. To our knowledge, no experimental evidence demonstrating an impact on protein function has been reported. Four clinical diagnostic laboratories have submitted clinical-significance assessments for this variant to ClinVar after 2014 without evidence for independent evaluation. All laboratories classified the variant as pathogenic. Based on the evidence outlined above, the variant was classified as pathogenic.

GeneDx
Classification: Pathogenic. Last evaluated: 2016-09-19. Review status: criteria provided, single submitter. Criteria: GeneDx Variant Classification (06012015). Collection method: clinical testing. Allele origin: germline. Affected: yes. Not counted in ClinVar's aggregate classification.
Comment: This variant is denoted BRCA2 c.8680C>T at the cDNA level and p.Gln2894Ter (Q2894X) at the protein level. Using alternate nomenclature, this variant would be defined as BRCA2 8908C>T. The substitution creates a nonsense variant, which changes a Glutamine to a premature stop codon (CAA>TAA), and is predicted to cause loss of normal protein function through either protein truncation or nonsense-mediated mRNA decay. This variant has been reported in association with familial and early-onset breast cancer and is considered pathogenic (Purnomosari 2007, Negura 2010).

ClinVar Staff, National Center for Biotechnology Information (NCBI)
No classification provided. Condition: Familial cancer of breast. Review status: no classification provided. Collection method: literature only. Allele origin: germline. Affected: yes. Not counted in ClinVar's aggregate classification.

Literature cited by the submitters: PubMed 20567915 (cited by 3 submitters); PubMed 33399082 (cited by Ambry Genetics); PubMed 17972177 (cited by 3 submitters).